The following is an entry in ClinVar:

ClinVar aggregate classification (germline): Uncertain significance (1 of 4 stars; one submission).

Conditions:
Microcephaly-intellectual disability-sensorineural hearing loss-epilepsy-abnormal muscle tone syndrome (NEDHSB). Also called: NEURODEVELOPMENTAL DISORDER WITH HEARING LOSS, SEIZURES, AND BRAIN ABNORMALITIES. Identifiers: Orphanet 457351, MedGen C4225276, MONDO:0014698, OMIM 616577.

Allele frequency attached by ClinVar (database versions not stated): gnomAD exomes below 0.00001.
gnomAD v4.1: 2 of 1,613,684 alleles (0.00012%); highest among the groups gnomAD compares: Non-Finnish European, 0.00017%; no homozygotes.

Submission:

Labcorp Genetics (formerly Invitae), Labcorp
Classification: Uncertain significance for Microcephaly-intellectual disability-sensorineural hearing loss-epilepsy-abnormal muscle tone syndrome. Last evaluated: 2023-10-13. Review status: criteria provided, single submitter. Criteria: Invitae Variant Classification Sherloc (09022015). Collection method: clinical testing. Allele origin: germline.
Comment: This sequence change replaces serine, which is neutral and polar, with cysteine, which is neutral and slightly polar, at codon 327 of the SPATA5 protein (p.Ser327Cys). This variant is not present in population databases (gnomAD no frequency). This variant has not been reported in the literature in individuals affected with SPATA5-related conditions. ClinVar contains an entry for this variant (Variation ID: 964533). Advanced modeling of protein sequence and biophysical properties (such as structural, functional, and spatial information, amino acid conservation, physicochemical variation, residue mobility, and thermodynamic stability) performed at Invitae indicates that this missense variant is not expected to disrupt SPATA5 protein function. In summary, the available evidence is currently insufficient to determine the role of this variant in disease. Therefore, it has been classified as a Variant of Uncertain Significance.

NM_145207.3(AFG2A):c.980C>G (p.Ser327Cys)

Gene: AFG2A (AAA ATPase AFG2A; plus strand). Cytogenetic location: 4q28.1.
Variant type: single nucleotide variant.
Coding change: c.980C>G on transcript NM_145207.3 (MANE Select); coding-DNA position 980, C replaced by G.
Protein change: p.Ser327Cys; replaces serine 327 with cysteine.
Molecular consequence: missense variant.
Genome position (GRCh38, 1-based): chr4:122,934,571, C>G. VCF-style: chr4-122934571-C-G. GRCh37 (hg19) VCF-style: chr4-123855726-C-G.
Other names: c.977C>G, p.Ser326Cys (NM_001317799.2, NM_001345856.2); short protein forms S326C, S327C.
Identifiers: ClinVar variation 964533 (VCV000964533.4), dbSNP rs1728957836, ClinGen allele CA358102814.